The following is an entry in ClinVar:

ClinVar aggregate classification (germline): Uncertain significance (1 of 4 stars; one submission).

Allele frequency attached by ClinVar (database versions not stated): gnomAD exomes 0.00006; gnomAD 0.00001; TOPMed 0.00001; ExAC 0.00003.
gnomAD v4.1: 21 of 1,612,980 alleles (0.0013%); highest among the groups gnomAD compares: South Asian, 0.022%; no homozygotes.

Submission:

GeneDx
Classification: Uncertain significance. Last evaluated: 2026-08-20. Review status: criteria provided, single submitter. Criteria: GeneDx Variant Classification Process June 2021. Collection method: clinical testing. Allele origin: germline.
Comment: In silico analysis supports that this missense variant has a deleterious effect on protein structure/function; Has not been previously published as pathogenic or benign to our knowledge

NM_052867.4(NALCN):c.3232G>C (p.Gly1078Arg)

Gene: NALCN (sodium leak channel, non-selective; minus strand). Cytogenetic location: 13q32.3.
Variant type: single nucleotide variant.
Coding change: c.3232G>C on transcript NM_052867.4 (MANE Select); coding-DNA position 3232, G replaced by C.
Protein change: p.Gly1078Arg; replaces glycine 1078 with arginine.
Molecular consequence: missense variant.
Genome position (GRCh38, 1-based): chr13:101,095,611, C>G on the plus strand (G>C on the coding strand, the complement: NALCN is on the minus strand). VCF-style: chr13-101095611-C-G. GRCh37 (hg19) VCF-style: chr13-101747962-C-G.
Other names: c.3319G>C, p.Gly1107Arg (NM_001350748.2); c.3232G>C, p.Gly1078Arg (NM_001350749.2); c.3145G>C, p.Gly1049Arg (NM_001350750.2, NM_001350751.2); short protein forms G1049R, G1078R, G1107R.
Identifiers: ClinVar variation 1306713 (VCV001306713.4), dbSNP rs758737231, ClinGen allele CA7035461.